The following is an entry in ClinVar:

NM_015629.4(PRPF31):c.946-12C>A

Gene: PRPF31 (pre-mRNA processing factor 31; plus strand). Cytogenetic location: 19q13.42.
Variant type: single nucleotide variant.
Coding change: c.946-12C>A on transcript NM_015629.4 (MANE Select); 12 bases into the intron before coding-DNA position 946, C replaced by A.
Molecular consequence: intron variant.
Genome position (GRCh38, 1-based): chr19:54,128,061, C>A. VCF-style: chr19-54128061-C-A. GRCh37 (hg19) VCF-style: chr19-54631436-C-A.
Identifiers: ClinVar variation 2119436 (VCV002119436.5), dbSNP rs372556278, ClinGen allele CA2580097788.

ClinVar aggregate classification (germline): Conflicting classifications of pathogenicity. Review status: criteria provided, conflicting classifications (1 of 4 stars). 2 submissions from 2 submitters: Likely pathogenic (1); Uncertain significance (1). Last evaluated 2024-01-15.

Conditions:
PRPF31-related disorder. Also called: PRPF31-related condition.

Submissions (2):

Labcorp Genetics (formerly Invitae), Labcorp
Classification: Uncertain significance. Last evaluated: 2024-01-15. Review status: criteria provided, single submitter. Criteria: Invitae Variant Classification Sherloc (09022015). Collection method: clinical testing. Allele origin: germline.
Comment: This sequence change falls in intron 9 of the PRPF31 gene. It does not directly change the encoded amino acid sequence of the PRPF31 protein. This variant is not present in population databases (gnomAD no frequency). This variant has not been reported in the literature in individuals affected with PRPF31-related conditions. ClinVar contains an entry for this variant (Variation ID: 2119436). Algorithms developed to predict the effect of sequence changes on RNA splicing suggest that this variant may disrupt the consensus splice site. In summary, the available evidence is currently insufficient to determine the role of this variant in disease. Therefore, it has been classified as a Variant of Uncertain Significance.

Blueprint Genetics
Classification: Likely pathogenic for PRPF31-related disorders. Last evaluated: 2021-12-21. Review status: criteria provided, single submitter. Criteria: ACMG Guidelines, 2015. Collection method: clinical testing. Allele origin: germline. Affected: yes. Observed: 4 variant alleles.